The following is an entry in ClinVar:

NC_000022.10:g.(?_30074175)_(30090791_?)dup

Gene: NF2 (NF2, moesin-ezrin-radixin like (MERLIN) tumor suppressor; plus strand). Cytogenetic location: 22q12.2.
Variant type: Duplication.
Identifiers: ClinVar variation 2422758 (VCV002422758.7).

ClinVar aggregate classification (germline): Uncertain significance (1 of 4 stars; one submission).

Conditions:
Neurofibromatosis, type 2 (SWNV). Also called: SCHWANNOMATOSIS, VESTIBULAR; BILATERAL ACOUSTIC NEUROFIBROMATOSIS; NF2-Related Schwannomatosis. Identifiers: Orphanet 637, MedGen C0027832, MONDO:0007039, OMIM 101000. Disease mechanism: loss of function.

Submission:

Labcorp Genetics (formerly Invitae), Labcorp
Classification: Uncertain significance for Neurofibromatosis, type 2. Last evaluated: 2021-11-06. Review status: criteria provided, single submitter. Criteria: Invitae Variant Classification Sherloc (09022015). Collection method: clinical testing. Allele origin: germline.
Comment: This variant results in a copy number gain of the genomic region encompassing exon(s) 14-16 of the NF2 gene. This region includes the termination codon of the gene. This copy number gain extends beyond the assayed region for this gene and therefore may encompass additional genes. As the precise location of this event is unknown, it may be in tandem or it may be located elsewhere in the genome. This variant has not been reported in the literature in individuals affected with NF2-related conditions. Experimental studies and prediction algorithms are not available or were not evaluated, and the functional significance of this variant is currently unknown. In summary, the available evidence is currently insufficient to determine the role of this variant in disease. Therefore, it has been classified as a Variant of Uncertain Significance.